The following is an entry in ClinVar:

ClinVar aggregate classification (germline): Uncertain significance. Review status: criteria provided, multiple submitters, no conflicts (2 of 4 stars). 2 submissions from 2 submitters: Uncertain significance (2). Last evaluated 2023-11-27.

Conditions:
Cardiovascular phenotype. Identifiers: MedGen CN230736.

Allele frequency attached by ClinVar (database versions not stated): gnomAD exomes below 0.00001; ExAC 0.00001.

Submissions (2):

Clinical Genetics Laboratory, Skane University Hospital Lund
Classification: Uncertain significance. Last evaluated: 2023-11-27. Review status: criteria provided, single submitter. Criteria: ACMG Guidelines, 2015. Collection method: clinical testing. Allele origin: germline. Affected: yes.

Ambry Genetics
Classification: Uncertain significance for Cardiovascular phenotype. Last evaluated: 2022-06-29. Review status: criteria provided, single submitter. Criteria: Ambry Variant Classification Scheme 2023. Collection method: clinical testing. Allele origin: germline.
Comment: The p.R1053G variant (also known as c.3157A>G), located in coding exon 47 of the COL1A2 gene, results from an A to G substitution at nucleotide position 3157. The arginine at codon 1053 is replaced by glycine, an amino acid with dissimilar properties. This amino acid position is highly conserved in available vertebrate species. In addition, this alteration is predicted to be deleterious by in silico analysis. Since supporting evidence is limited at this time, the clinical significance of this alteration remains unclear.

NM_000089.4(COL1A2):c.3157A>G (p.Arg1053Gly)

Gene: COL1A2 (collagen type I alpha 2 chain; plus strand). Cytogenetic location: 7q21.3.
Variant type: single nucleotide variant.
Coding change: c.3157A>G on transcript NM_000089.4 (MANE Select); coding-DNA position 3157, A replaced by G.
Protein change: p.Arg1053Gly; replaces arginine 1053 with glycine.
Molecular consequence: missense variant.
Genome position (GRCh38, 1-based): chr7:94,427,059, A>G. VCF-style: chr7-94427059-A-G. GRCh37 (hg19) VCF-style: chr7-94056371-A-G.
Other names: short protein forms R1053G.
Identifiers: ClinVar variation 1728243 (VCV001728243.3), dbSNP rs778989067, ClinGen allele CA4347687.